The following is an entry in ClinVar:

NM_001447.3(FAT2):c.11550C>T (p.His3850=)

Genes: FAT2 (FAT atypical cadherin 2; minus strand), SLC36A1 (solute carrier family 36 member 1; plus strand). Cytogenetic location: 5q33.1.
Variant type: single nucleotide variant.
Coding change: c.11550C>T on transcript NM_001447.3 (MANE Select); coding-DNA position 11550, C replaced by T.
Protein change: p.His3850=; no amino-acid change (histidine 3850 retained).
Molecular consequence: synonymous variant.
Genome position (GRCh38, 1-based): chr5:151,512,520, G>A on the plus strand (C>T on the coding strand, the complement: FAT2 is on the minus strand). VCF-style: chr5-151512520-G-A. GRCh37 (hg19) VCF-style: chr5-150892081-G-A.
Identifiers: ClinVar variation 2200679 (VCV002200679.14), dbSNP rs569664435, ClinGen allele CA3519981.
Genomic context (GRCh38, chr5:151,512,520, plus strand): 5'-GCTGTCAACCATCAGGCGAATGGAAGCGTCCATCTCCTCCACCAGGATGGAGTGCCACTC[G>A]TGGTCATTCACATGGCGCTGGGAGGAAAGGTTTCCATAGAAACCACCCAGACAGTGGTAT-3'
Protein context (NP_001438.1, residues 3840-3860): NLSSQRHVND[His3850=]EWHSILVEEM

ClinVar aggregate classification (germline): Likely benign. Review status: criteria provided, multiple submitters, no conflicts (2 of 4 stars). 2 submissions from 2 submitters: Likely benign (2). Last evaluated 2026-08-01.

Allele frequency attached by ClinVar (database versions not stated): gnomAD 0.00011; TOPMed 0.00012; 1000 Genomes Project 30x 0.00016; ExAC 0.00016; 1000 Genomes Project 0.00020.
gnomAD v4.1: 298 of 1,614,170 alleles (0.018%); highest among the groups gnomAD compares: Non-Finnish European, 0.022%; 1 homozygote.

Submissions (2):

CeGaT Center for Human Genetics Tuebingen
Classification: Likely benign. Last evaluated: 2026-08-01. Review status: criteria provided, single submitter. Criteria: CeGaT Center For Human Genetics Tuebingen Variant Classification Criteria Version 2. Collection method: clinical testing. Allele origin: germline. Affected: yes. Observed: 2 variant alleles.
Comment: FAT2: BP4, BP7

Labcorp Genetics (formerly Invitae), Labcorp
Classification: Likely benign. Last evaluated: 2025-07-28. Review status: criteria provided, single submitter. Criteria: Invitae Variant Classification Sherloc (09022015). Collection method: clinical testing. Allele origin: germline.